The following is an entry in ClinVar:

ClinVar aggregate classification (germline): Uncertain significance (1 of 4 stars; one submission).

Submission:

Labcorp Genetics (formerly Invitae), Labcorp
Classification: Uncertain significance. Last evaluated: 2025-09-23. Review status: criteria provided, single submitter. Criteria: Invitae Variant Classification Sherloc (09022015). Collection method: clinical testing. Allele origin: germline.
Comment: This sequence change replaces alanine, which is neutral and non-polar, with valine, which is neutral and non-polar, at codon 173 of the TAOK2 protein (p.Ala173Val). This variant is not present in population databases (gnomAD no frequency). This variant has not been reported in the literature in individuals affected with TAOK2-related conditions. ClinVar contains an entry for this variant (Variation ID: 2776335). An algorithm developed to predict the effect of missense changes on protein structure and function (PolyPhen-2) suggests that this variant is likely to be disruptive. In summary, the available evidence is currently insufficient to determine the role of this variant in disease. Therefore, it has been classified as a Variant of Uncertain Significance.

NM_016151.4(TAOK2):c.518C>T (p.Ala173Val)

Gene: TAOK2 (TAO kinase 2; plus strand). Cytogenetic location: 16p11.2.
Variant type: single nucleotide variant.
Coding change: c.518C>T on transcript NM_016151.4 (MANE Select); coding-DNA position 518, C replaced by T.
Protein change: p.Ala173Val; replaces alanine 173 with valine.
Molecular consequence: missense variant.
Genome position (GRCh38, 1-based): chr16:29,979,263, C>T. VCF-style: chr16-29979263-C-T. GRCh37 (hg19) VCF-style: chr16-29990584-C-T.
Other names: c.518C>T, p.Ala173Val (NM_001252043.2, NM_004783.4); short protein forms A173V.
Identifiers: ClinVar variation 2776335 (VCV002776335.3), dbSNP rs2069546926, ClinGen allele CA395472157.